The following is an entry in ClinVar:

ClinVar aggregate classification (germline): Uncertain significance. Review status: criteria provided, multiple submitters, no conflicts (2 of 4 stars). 3 submissions from 3 submitters: Uncertain significance (3). Last evaluated 2024-10-29.

Conditions:
Hereditary cancer-predisposing syndrome. Also called: Hereditary neoplastic syndrome; Hereditary Cancer Syndrome; Neoplastic Syndromes, Hereditary; Tumor predisposition. Identifiers: Orphanet 140162, MedGen C0027672, MeSH D009386, MONDO:0015356.
Ataxia-telangiectasia syndrome (AT). Also called: Ataxia-telangiectasia, complementation group D; Cerebello-oculocutaneous telangiectasia; Immunodeficiency with ataxia telangiectasia; ATAXIA-TELANGIECTASIA, COMPLEMENTATION GROUP A; ATAXIA-TELANGIECTASIA, FRESNO VARIANT; LOUIS-BAR SYNDROME. Identifiers: Orphanet 100, MedGen C0004135, MONDO:0008840, OMIM 208900.

Submissions (3):

Labcorp Genetics (formerly Invitae), Labcorp
Classification: Uncertain significance for Ataxia-telangiectasia syndrome. Last evaluated: 2024-10-29. Review status: criteria provided, single submitter. Criteria: Invitae Variant Classification Sherloc (09022015). Collection method: clinical testing. Allele origin: germline.
Comment: This sequence change replaces valine, which is neutral and non-polar, with leucine, which is neutral and non-polar, at codon 1912 of the ATM protein (p.Val1912Leu). This variant is not present in population databases (gnomAD no frequency). This variant has not been reported in the literature in individuals affected with ATM-related conditions. ClinVar contains an entry for this variant (Variation ID: 419785). Invitae Evidence Modeling of protein sequence and biophysical properties (such as structural, functional, and spatial information, amino acid conservation, physicochemical variation, residue mobility, and thermodynamic stability) indicates that this missense variant is not expected to disrupt ATM protein function with a negative predictive value of 95%. In summary, the available evidence is currently insufficient to determine the role of this variant in disease. Therefore, it has been classified as a Variant of Uncertain Significance.

Ambry Genetics
Classification: Uncertain significance for Hereditary cancer-predisposing syndrome. Last evaluated: 2023-11-20. Review status: criteria provided, single submitter. Criteria: Ambry Variant Classification Scheme 2023. Collection method: clinical testing. Allele origin: germline.
Comment: The p.V1912L variant (also known as c.5734G>C), located in coding exon 37 of the ATM gene, results from a G to C substitution at nucleotide position 5734. The valine at codon 1912 is replaced by leucine, an amino acid with highly similar properties. This amino acid position is well conserved in available vertebrate species. In addition, the in silico prediction for this alteration is inconclusive. Since supporting evidence is limited at this time, the clinical significance of this alteration remains unclear.

GeneDx
Classification: Uncertain significance. Last evaluated: 2015-09-04. Review status: criteria provided, single submitter. Criteria: GeneDx Variant Classification (06012015). Collection method: clinical testing. Allele origin: germline. Affected: yes.
Comment: This variant is denoted ATM c.5734G>C at the cDNA level, p.Val1912Leu (V1912L) at the protein level, and results in the change of a Valine to a Leucine (GTT>CTT). This variant has not, to our knowledge, been published in the literature as pathogenic or benign. ATM Val1912Leu was not observed in approximately 6,500 individuals of European and African American ancestry in the NHLBI Exome Sequencing Project, indicating it is not a common benign variant in these populations. Since Valine and Leucine share similar properties, this is considered a conservative amino acid substitution. ATM Val1912Leu occurs at a position where amino acids with properties similar to Valine are tolerated across species and is not located in a known functional domain (Tavtigian 2009, Stracker 2013). In silico analyses are inconsistent regarding the effect this variant may have on protein structure and function. Based on currently available information, it is unclear whether ATM Val1912Leu is pathogenic or benign. We consider it to be a variant of uncertain significance.

NM_000051.4(ATM):c.5734G>C (p.Val1912Leu)

Gene: ATM (ATM serine/threonine kinase; plus strand). Cytogenetic location: 11q22.3.
Variant type: single nucleotide variant.
Coding change: c.5734G>C on transcript NM_000051.4 (MANE Select); coding-DNA position 5734, G replaced by C.
Protein change: p.Val1912Leu; replaces valine 1912 with leucine.
Molecular consequence: missense variant.
Genome position (GRCh38, 1-based): chr11:108,307,956, G>C. VCF-style: chr11-108307956-G-C. GRCh37 (hg19) VCF-style: chr11-108178683-G-C.
Other names: c.5734G>C, p.Val1912Leu (NM_001351834.2); short protein forms V1912L.
Identifiers: ClinVar variation 419785 (VCV000419785.10), dbSNP rs1064794105, ClinGen allele CA16619201.